The following is an entry in ClinVar:

ClinVar aggregate classification (germline): Pathogenic (1 of 4 stars; one submission).

Submission:

CeGaT Center for Human Genetics Tuebingen
Classification: Pathogenic. Last evaluated: 2026-07-01. Review status: criteria provided, single submitter. Criteria: CeGaT Center For Human Genetics Tuebingen Variant Classification Criteria Version 2. Collection method: clinical testing. Allele origin: germline. Affected: yes. Observed: 1 variant allele.
Comment: ADGRV1: PVS1, PM2

NM_032119.4(ADGRV1):c.13702C>T (p.Gln4568Ter)

Gene: ADGRV1 (adhesion G protein-coupled receptor V1; plus strand). Cytogenetic location: 5q14.3.
Variant type: single nucleotide variant.
Coding change: c.13702C>T on transcript NM_032119.4 (MANE Select); coding-DNA position 13702, C replaced by T.
Protein change: p.Gln4568Ter; replaces glutamine 4568 with a stop codon.
Molecular consequence: nonsense. On other transcripts: non-coding transcript variant (1).
Genome position (GRCh38, 1-based): chr5:90,788,119, C>T. VCF-style: chr5-90788119-C-T. GRCh37 (hg19) VCF-style: chr5-90083936-C-T.
Other names: short protein forms Q4568*.
Identifiers: ClinVar variation 5040128 (VCV005040128.1).